The following is an entry in ClinVar:

NM_000455.5(STK11):c.1236C>A (p.Asn412Lys)

Gene: STK11 (serine/threonine kinase 11; plus strand). Cytogenetic location: 19p13.3.
Variant type: single nucleotide variant.
Coding change: c.1236C>A on transcript NM_000455.5 (MANE Select); coding-DNA position 1236, C replaced by A.
Protein change: p.Asn412Lys; replaces asparagine 412 with lysine.
Molecular consequence: missense variant.
Genome position (GRCh38, 1-based): chr19:1,226,581, C>A. VCF-style: chr19-1226581-C-A. GRCh37 (hg19) VCF-style: chr19-1226580-C-A.
Other names: short protein forms N412K.
Identifiers: ClinVar variation 651946 (VCV000651946.12), dbSNP rs1158714606, ClinGen allele CA402953908.

ClinVar aggregate classification (germline): Conflicting classifications of pathogenicity. Review status: criteria provided, conflicting classifications (1 of 4 stars). 3 submissions from 3 submitters: Uncertain significance (2); Likely benign (1). Last evaluated 2026-09-08.

Conditions:
STK11-related disorder. Also called: STK11-related condition.
Hereditary cancer-predisposing syndrome. Also called: Neoplastic Syndromes, Hereditary; Hereditary Cancer Syndrome; Hereditary neoplastic syndrome; Tumor predisposition. Identifiers: Orphanet 140162, MedGen C0027672, MeSH D009386, MONDO:0015356.
Peutz-Jeghers syndrome (PJS). Also called: POLYPOSIS, HAMARTOMATOUS INTESTINAL; POLYPS-AND-SPOTS SYNDROME; Peutz-Jeghers polyposis; Periorificial lentiginosis syndrome. Identifiers: Orphanet 2869, MedGen C0031269, MeSH D010580, MONDO:0008280, OMIM 175200.

Submissions (3):

Ambry Genetics
Classification: Likely benign for Hereditary cancer-predisposing syndrome. Last evaluated: 2026-09-08. Review status: criteria provided, single submitter. Criteria: Ambry Variant Classification Scheme 2023. Collection method: clinical testing. Allele origin: germline.

Labcorp Genetics (formerly Invitae), Labcorp
Classification: Uncertain significance for Peutz-Jeghers syndrome. Last evaluated: 2025-02-01. Review status: criteria provided, single submitter. Criteria: Invitae Variant Classification Sherloc (09022015). Collection method: clinical testing. Allele origin: germline.
Comment: This sequence change replaces asparagine, which is neutral and polar, with lysine, which is basic and polar, at codon 412 of the STK11 protein (p.Asn412Lys). This variant is not present in population databases (gnomAD no frequency). This variant has not been reported in the literature in individuals affected with STK11-related conditions. ClinVar contains an entry for this variant (Variation ID: 651946). Invitae Evidence Modeling of protein sequence and biophysical properties (such as structural, functional, and spatial information, amino acid conservation, physicochemical variation, residue mobility, and thermodynamic stability) indicates that this missense variant is not expected to disrupt STK11 protein function with a negative predictive value of 95%. In summary, the available evidence is currently insufficient to determine the role of this variant in disease. Therefore, it has been classified as a Variant of Uncertain Significance.

PreventionGenetics, part of Exact Sciences
Classification: Uncertain significance for STK11-related condition. Last evaluated: 2023-05-26. Review status: criteria provided, single submitter. Criteria: ACMG Guidelines, 2015. Collection method: clinical testing. Allele origin: germline.
Comment: The STK11 c.1236C>A variant is predicted to result in the amino acid substitution p.Asn412Lys. To our knowledge, this variant has not been reported in the literature or in a large population database, indicating this variant is rare. At this time, the clinical significance of this variant is uncertain due to the absence of conclusive functional and genetic evidence.